The following is an entry in ClinVar:

ClinVar aggregate classification (germline): Conflicting classifications of pathogenicity. Review status: criteria provided, conflicting classifications (1 of 4 stars). 6 submissions from 6 submitters: Likely pathogenic (2); Uncertain significance (3). 1 of the submissions does not count toward it. Last evaluated 2024-11-27.

Conditions:
Hb SS disease (SCD). Also called: Hemoglobin SS; Sickle cell anemia; Sickle cell disease; HbS disease; Hemoglobin S Disease; Sickling disorder due to hemoglobin S. Identifiers: Orphanet 232, Orphanet 275752, MedGen C0002895, MONDO:0011382, OMIM 603903.
Heinz body anemia. Also called: Heinz body hemolytic anemia. Identifiers: Orphanet 178330, MedGen C0700299, MONDO:0007705, OMIM 140700, HP:0005511.
Dominant beta-thalassemia. Also called: Beta-thalassemia, dominant inclusion body type. Identifiers: Orphanet 231226, Orphanet 848, MedGen C1858990, MONDO:0011381, OMIM 603902.
Beta-thalassemia HBB/LCRB. Identifiers: MedGen CN322236, MONDO:0013517, OMIM 613985.
Erythrocytosis, familial, 6. Also called: POLYCYTHEMIA, BETA-GLOBIN TYPE; ERYTHROCYTOSIS, BETA-GLOBIN TYPE. Identifiers: MedGen C4693822, MONDO:0054801, OMIM 617980.
METHEMOGLOBINEMIA, BETA TYPE. Also called: Methemoglobinemia, beta-globin type. Identifiers: MedGen C1840779, OMIM 617971.
Malaria, susceptibility to. Identifiers: Orphanet 673, MedGen C1970028, MONDO:0021024, OMIM 611162.
Hereditary persistence of fetal hemoglobin. Identifiers: MedGen C0019025, MONDO:0020989, OMIM 141749.

Allele frequency attached by ClinVar (database versions not stated): ExAC 0.00002; gnomAD 0.00001; gnomAD exomes 0.00002 and 0.00001; TOPMed 0.00001.
gnomAD v4.1: 10 of 1,613,998 alleles (0.00062%); highest among the groups gnomAD compares: East Asian, 0.022%; no homozygotes.

Submissions (6):

ARUP Laboratories, Molecular Genetics and Genomics, ARUP Laboratories
Classification: Likely pathogenic. Last evaluated: 2024-11-27. Review status: criteria provided, single submitter. Criteria: ARUP Molecular Germline Variant Investigation Process 2024. Collection method: clinical testing. Allele origin: germline.
Comment: The Hb New York variant (HBB: c.341T>A; p.Val114Glu, also known as Val113Glu when numbered from the mature protein, HbVar ID: 491) is reported in the heterozygous state in individuals with no associated hematological symptoms, and did not affect clinical symptoms when occurring in-trans with beta thalassemia or hemoglobin E, or when coinherited with alpha thalassemia trait (Chaibunruang 2018, Ranney 1967, Todd 1980, HbVar database and references therein). However, this variant is reported to contribute to a clinically significant sickling disorder in individuals who also carry the hemoglobin S allele (Calder 2012, McFarlane 2011). This variant is reported in ClinVar (Variation ID: 15286), and is only observed on six alleles in the Genome Aggregation Database, indicating it is not a common polymorphism. The valine at codon 114 is highly conserved, and results in a mildly unstable variant protein and reduced oxygen affinity (HbVar database and references therein). Based on available information, the Hb New York variant is considered likely pathogenic for sickling disease when found with HbS, although there is no evidence that it is disease-associated alone or in trans with a beta-thalassemia variant. References: Link to HbVar for HB New York: Calder D et al. Sickle retinopathy in a person with hemoglobin s/new york disease. Case Rep Genet. 2012;2012:136582. PMID: 23346429. Chaibunruang A et al. Molecular Characteristics of Hb New York (B113(G15)Val?Glu, HBB: c.341T>A) in Thailand. Hemoglobin. 2018 Jan;42(1):11-15. PMID: 29464999. McFarlane A et al. A novel sickling hemoglobinopathy. N Engl J Med. 2011 Oct 20;365(16):1548-9. PMID: 22010933. Ranney HM et al. Haemoglobin New York. Nature. 1967 Mar 4;213(5079):876-8. PMID: 6030043. Todd D et al. Globin chain synthesis in haemoglobin New York (beta 113 replaced by glutamic acid). Br J Haematol. 1980 Dec;46(4):557-64. PMID: 7437334.

Quest Diagnostics Nichols Institute San Juan Capistrano
Classification: Uncertain significance. Last evaluated: 2024-11-05. Review status: criteria provided, single submitter. Criteria: Quest Diagnostics criteria. Collection method: clinical testing. Allele origin: unknown.
Comment: The HBB c.341T>A (p.Val114Glu) variant (also known as Hb New York and Hb Kaohsiung) has been reported in the published literature as having decreased oxygen affinity and is mildly unstable (PMIDs: 2737909 (1989), 7068436 (1982), 7295768 (1981)). Individuals who are heterozygous or homozygous for this variant have a normal clinical presentation (HbVar, PMIDs: 36246595 (2022), 35068381 (2022), 29464999 (2018), 24099628 (2014), 7068436 (1982), 7295768 (1981), 7353956 (1980), 5124025 (1971)). Compound heterozygosity of this variant with Hb E or a beta-0 thalassemia variant also present as clinically healthy (PMIDs: 18432506 (2008), 7068436 (1982), 5124025 (1971)). This variant is also reported to not aggravate thalassemia phenotypes (PMID: 35403941 (2022)). However, this variant in combination with Hb S can cause clinically significant sickling disorders (PMIDs: 23346429 (2012), 22010933 (2011)). Interference with some HbA1c methods have been described (PMID: 36534489 (2023), 36625083 (2023)). Based on the available information, we are unable to determine the clinical significance of this variant.

Fulgent Genetics
Classification: Likely pathogenic for Heinz body anemia; Hereditary persistence of fetal hemoglobin; Dominant beta-thalassemia; Hb SS disease; Malaria, susceptibility to; Beta-thalassemia HBB/LCRB; METHEMOGLOBINEMIA, BETA TYPE; Erythrocytosis, familial, 6. Last evaluated: 2024-04-22. Review status: criteria provided, single submitter. Criteria: ACMG Guidelines, 2015. Collection method: clinical testing. Allele origin: germline.

GeneDx
Classification: Uncertain significance. Last evaluated: 2022-11-21. Review status: criteria provided, single submitter. Criteria: GeneDx Variant Classification Process June 2021. Collection method: clinical testing. Allele origin: germline. Affected: yes.
Comment: Reported in unrelated patients with features of sickle cell trait; however, these patients also harbored the c.20A>T common variant (McFarlane et al., 2011; Calder et al., 2012); Also observed in patients referred for carrier screening and have normal hemoglobin testing (Lin et al., 2013; van Zwieten et al., 2014; Lou et al., 2014; Huang et al., 2019); In silico analysis supports that this missense variant has a deleterious effect on protein structure/function; Also known as Hb New York or Hb Kaohsiung; This variant is associated with the following publications: (PMID: 24200101, 24099628, 1428942, 12403232, 28865746, 24055728, 19631632, 18432506, 1634358, 25089872, 31980563, 29626415, 36053226, 22010933, 19429541, 30837609, 29464999, 28143837, 24985555, 23346429, 23383304)

Women's Health and Genetics/Laboratory Corporation of America, LabCorp
Classification: Uncertain significance. Last evaluated: 2021-05-27. Review status: criteria provided, single submitter. Criteria: LabCorp Variant Classification Summary - May 2015. Collection method: clinical testing. Allele origin: germline.
Comment: Variant summary: HBB c.341T>A (p.Val114Glu) results in a non-conservative amino acid change in the encoded protein sequence. Five of five in-silico tools predict a damaging effect of the variant on protein function. The variant allele was found at a frequency of 0.00051 in 630098 control chromosomes. This frequency is not significantly higher than expected for a pathogenic variant in HBB causing Hemoglobinopathy (0.00051 vs 0.011), allowing no conclusion about variant significance. Compound heterozygotes of c.341T>A and a beta thalassmia mutation have been reported in the literature in individuals affected with sickling disorder symptoms (McFarlane_2011). However, similar compound heterozygotes have been reported in patients without significant clinical symptoms (Zeng_1982, Lee_2008). In addition, compound heterozygotes of c.341T>A and an alpha-thalassemia allele have also been reported in patients without significant clinical symptoms (Ranney_1967, Chaibunruang_2018). Two clinical diagnostic laboratories have submitted clinical-significance assessments for this variant to ClinVar after 2014 without evidence for independent evaluation. Both laboratories classified the variant as uncertain significance. Based on the evidence outlined above, the variant was classified as VUS-possibly pathogenic.

OMIM
Classification: Pathogenic for HEMOGLOBIN NEW YORK. Last evaluated: 1980-12-01. Review status: no assertion criteria provided. Collection method: literature only. Allele origin: germline. Not counted in ClinVar's aggregate classification.

Literature cited by the submitters: PubMed 7353956 (cited by Quest Diagnostics Nichols Institute San Juan Capistrano and OMIM); PubMed 22010933 (cited by Quest Diagnostics Nichols Institute San Juan Capistrano and Women's Health and Genetics/Laboratory Corporation of America, LabCorp); PubMed 23346429 (cited by Quest Diagnostics Nichols Institute San Juan Capistrano); PubMed 2737909 (cited by Quest Diagnostics Nichols Institute San Juan Capistrano); PubMed 29464999 (cited by Quest Diagnostics Nichols Institute San Juan Capistrano and Women's Health and Genetics/Laboratory Corporation of America, LabCorp); PubMed 30720081 (cited by Quest Diagnostics Nichols Institute San Juan Capistrano); PubMed 31980563 (cited by Quest Diagnostics Nichols Institute San Juan Capistrano); PubMed 36246595 (cited by Quest Diagnostics Nichols Institute San Juan Capistrano); PubMed 34815527 (cited by Quest Diagnostics Nichols Institute San Juan Capistrano); PubMed 35068381 (cited by Quest Diagnostics Nichols Institute San Juan Capistrano); PubMed 36534489 (cited by Quest Diagnostics Nichols Institute San Juan Capistrano); PubMed 36625083 (cited by Quest Diagnostics Nichols Institute San Juan Capistrano); PubMed 36054783 (cited by Quest Diagnostics Nichols Institute San Juan Capistrano); PubMed 35403941 (cited by Quest Diagnostics Nichols Institute San Juan Capistrano); PubMed 6030043 (cited by 3 submitters); PubMed 5124025 (cited by Quest Diagnostics Nichols Institute San Juan Capistrano); PubMed 7437334 (cited by 3 submitters); PubMed 7295768 (cited by Quest Diagnostics Nichols Institute San Juan Capistrano and Women's Health and Genetics/Laboratory Corporation of America, LabCorp); PubMed 7068436 (cited by Quest Diagnostics Nichols Institute San Juan Capistrano and Women's Health and Genetics/Laboratory Corporation of America, LabCorp); PubMed 1634358 (cited by Quest Diagnostics Nichols Institute San Juan Capistrano); PubMed 12403232 (cited by Quest Diagnostics Nichols Institute San Juan Capistrano); PubMed 35023007 (cited by Quest Diagnostics Nichols Institute San Juan Capistrano); PubMed 23383304 (cited by Quest Diagnostics Nichols Institute San Juan Capistrano); PubMed 28143837 (cited by Quest Diagnostics Nichols Institute San Juan Capistrano); PubMed 19631632 (cited by Quest Diagnostics Nichols Institute San Juan Capistrano); PubMed 24099628 (cited by Quest Diagnostics Nichols Institute San Juan Capistrano); PubMed 24055728 (cited by Quest Diagnostics Nichols Institute San Juan Capistrano); PubMed 24200101 (cited by Quest Diagnostics Nichols Institute San Juan Capistrano); PubMed 30837609 (cited by Quest Diagnostics Nichols Institute San Juan Capistrano and Women's Health and Genetics/Laboratory Corporation of America, LabCorp); PubMed 18432506 (cited by Quest Diagnostics Nichols Institute San Juan Capistrano and Women's Health and Genetics/Laboratory Corporation of America, LabCorp); PubMed 5120550 (cited by Women's Health and Genetics/Laboratory Corporation of America, LabCorp); PubMed 893132 (cited by OMIM).

NM_000518.5(HBB):c.341T>A (p.Val114Glu)

Genes: HBB (hemoglobin subunit beta; minus strand), LOC107133510 (origin of replication at HBB; plus strand), LOC110006319 (beta-globin gene 3' regulatory region; plus strand). Cytogenetic location: 11p15.4.
Variant type: single nucleotide variant.
Coding change: c.341T>A on transcript NM_000518.5 (MANE Select); coding-DNA position 341, T replaced by A.
Protein change: p.Val114Glu; replaces valine 114 with glutamic acid.
Molecular consequence: missense variant.
Genome position (GRCh38, 1-based): chr11:5,225,701, A>T on the plus strand (T>A on the coding strand, the complement: HBB is on the minus strand). VCF-style: chr11-5225701-A-T. GRCh37 (hg19) VCF-style: chr11-5246931-A-T.
Other names: V113E; Hb New York; Hb Kaohsiung; short protein forms V114E.
Identifiers: ClinVar variation 15286 (VCV000015286.21), dbSNP rs34484056, ClinGen allele CA125058.
Genomic context (GRCh38, chr11:5,225,701, plus strand): 5'-ACTTTCTGATAGGCAGCCTGCACTGGTGGGGTGAATTCTTTGCCAAAGTGATGGGCCAGC[A>T]CACAGACCAGCACGTTGCCCAGGAGCTGTGGGAGGAAGATAAGAGGTATGAACATGATTA-3'
Protein context (NP_000509.1, residues 104-124): FRLLGNVLVC[Val114Glu]LAHHFGKEFT